The following is an entry in ClinVar:

NM_001384140.1(PCDH15):c.3745C>T (p.Gln1249Ter)

Gene: PCDH15 (protocadherin related 15; minus strand). Cytogenetic location: 10q21.1.
Variant type: single nucleotide variant.
Coding change: c.3745C>T on transcript NM_001384140.1 (MANE Select); coding-DNA position 3745, C replaced by T.
Protein change: p.Gln1249Ter; replaces glutamine 1249 with a stop codon.
Molecular consequence: nonsense.
Genome position (GRCh38, 1-based): chr10:53,857,236, G>A on the plus strand (C>T on the coding strand, the complement: PCDH15 is on the minus strand). VCF-style: chr10-53857236-G-A. GRCh37 (hg19) VCF-style: chr10-55616996-G-A.
Other names: c.3760C>T, p.Gln1254Ter (NM_001142763.2, NM_001142771.2); c.3745C>T, p.Gln1249Ter (NM_001142764.2, NM_001142766.2, NM_001142770.3 and 4 more transcripts); c.3532C>T, p.Gln1178Ter (NM_001142765.2); c.3634C>T, p.Gln1212Ter (NM_001142767.2); c.3679C>T, p.Gln1227Ter (NM_001142768.2, NM_001142773.2, NM_001354404.2); c.3781C>T, p.Gln1261Ter (NM_001142769.4); c.3766C>T, p.Gln1256Ter (NM_001354411.2); short protein forms Q1178*, Q1212*, Q1227*, Q1249*, Q1254*, Q1256*, Q1261*.
Identifiers: ClinVar variation 1724066 (VCV001724066.2), dbSNP rs1472644881, ClinGen allele CA376514375.

ClinVar aggregate classification (germline): Likely pathogenic (1 of 4 stars; one submission).

Conditions:
Usher syndrome type 1D (USH1D). Also called: USHER SYNDROME, TYPE ID. Identifiers: Orphanet 231169, Orphanet 886, MedGen C1832845, MONDO:0010984, OMIM 601067.

gnomAD v4.1: 1 of 1,611,382 alleles (0.000062%); highest among the groups gnomAD compares: African/African-American, 0.0013%; no homozygotes.

Submission:

Myriad Genetics, Inc.
Classification: Likely pathogenic for Usher syndrome type 1D. Last evaluated: 2022-01-24. Review status: criteria provided, single submitter. Criteria: Myriad Women's Health Autosomal Recessive and X-Linked Classification Criteria (2021). Collection method: clinical testing. Allele origin: unknown.
Comment: NM_033056.3(PCDH15):c.3745C>T(Q1249*) is expected to be pathogenic in the context of PCDH15-related disorders. This variant is predicted to lead to an abnormal or absent protein product due to the creation of a premature termination codon in PCDH15, a gene where loss-of-function variants are known to be pathogenic. Please note: this variant was assessed in the context of healthy population screening.